The following is an entry in ClinVar:

NM_001371596.2(MFSD8):c.964G>A (p.Val322Ile)

Gene: MFSD8 (major facilitator superfamily domain containing 8; minus strand). Cytogenetic location: 4q28.2.
Variant type: single nucleotide variant.
Coding change: c.964G>A on transcript NM_001371596.2 (MANE Select); coding-DNA position 964, G replaced by A.
Protein change: p.Val322Ile; replaces valine 322 with isoleucine.
Molecular consequence: missense variant.
Genome position (GRCh38, 1-based): chr4:127,930,717, C>T on the plus strand (G>A on the coding strand, the complement: MFSD8 is on the minus strand). VCF-style: chr4-127930717-C-T. GRCh37 (hg19) VCF-style: chr4-128851872-C-T.
Other names: c.763G>A, p.Val255Ile (NM_001363520.3); c.649G>A, p.Val217Ile (NM_001363521.3); c.829G>A, p.Val277Ile (NM_001371590.2); c.964G>A, p.Val322Ile (NM_001371591.2, NM_152778.4); c.970G>A, p.Val324Ile (NM_001371592.2); c.850G>A, p.Val284Ile (NM_001371593.2, NM_001410766.1); c.817G>A, p.Val273Ile (NM_001371594.2); c.682G>A, p.Val228Ile (NM_001371595.1); and 1 more; short protein forms V217I, V273I, V228I, V255I, V284I, V322I, V277I, V324I.
Identifiers: ClinVar variation 844116 (VCV000844116.6), dbSNP rs1414250428, ClinGen allele CA358173623.
Genomic context (GRCh38, chr4:127,930,717, plus strand): 5'-CATAAAACCAAAAACACTTAACTTACTTTTTGGAAAGCAACTTAACTCCTAAGAAAATAA[C>T]AACGGCTTCAACCCCAAGAGCAGCAAGTATTATGCCATTATATAACACAGCTTGTTCTTG-3'
Protein context (NP_001358525.1, residues 312-332): ILAALGVEAV[Val322Ile]IFLGVKLLSK

ClinVar aggregate classification (germline): Uncertain significance. Review status: criteria provided, single submitter (1 of 4 stars). 2 submissions from 2 submitters: Uncertain significance (1). 1 of the submissions does not count toward it. Last evaluated 2022-02-05.

Conditions:
Late-infantile neuronal ceroid lipofuscinosis. Also called: Jansky-Bielschowsky disease. Identifiers: MedGen C0022340, MONDO:0015674.
Neuronal ceroid lipofuscinosis 7 (CLN7). Also called: MFSD8-Related Neuronal Ceroid-Lipofuscinosis. Identifiers: Orphanet 168491, Orphanet 228366, MedGen C1838571, MONDO:0012588, OMIM 610951.

Allele frequency attached by ClinVar (database versions not stated): gnomAD exomes 0.00001 and 0.00006; TOPMed 0.00006; gnomAD 0.00015 and 0.00016.
gnomAD v4.1: 38 of 1,613,354 alleles (0.0024%); highest among the groups gnomAD compares: Admixed American, 0.062%; 1 homozygote.

Submissions (2):

Labcorp Genetics (formerly Invitae), Labcorp
Classification: Uncertain significance for Neuronal ceroid lipofuscinosis 7. Last evaluated: 2022-02-05. Review status: criteria provided, single submitter. Criteria: Invitae Variant Classification Sherloc (09022015). Collection method: clinical testing. Allele origin: germline.
Comment: This sequence change replaces valine, which is neutral and non-polar, with isoleucine, which is neutral and non-polar, at codon 322 of the MFSD8 protein (p.Val322Ile). This variant is present in population databases (no rsID available, gnomAD 0.04%). This variant has not been reported in the literature in individuals affected with MFSD8-related conditions. ClinVar contains an entry for this variant (Variation ID: 844116). Algorithms developed to predict the effect of missense changes on protein structure and function output the following: SIFT: "Tolerated"; PolyPhen-2: "Benign"; Align-GVGD: "Class C0". The isoleucine amino acid residue is found in multiple mammalian species, which suggests that this missense change does not adversely affect protein function. In summary, the available evidence is currently insufficient to determine the role of this variant in disease. Therefore, it has been classified as a Variant of Uncertain Significance.

Natera, Inc.
Classification: Uncertain significance for Late-infantile neuronal ceroid lipofuscinosis. Last evaluated: 2020-10-28. Review status: no assertion criteria provided. Collection method: clinical testing. Allele origin: germline. Not counted in ClinVar's aggregate classification.